The following is an entry in ClinVar:

ClinVar aggregate classification (germline): Uncertain significance (1 of 4 stars; one submission).

Submission:

Labcorp Genetics (formerly Invitae), Labcorp
Classification: Uncertain significance. Last evaluated: 2020-12-19. Review status: criteria provided, single submitter. Criteria: Invitae Variant Classification Sherloc (09022015). Collection method: clinical testing. Allele origin: germline.
Comment: In summary, the available evidence is currently insufficient to determine the role of this variant in disease. Therefore, it has been classified as a Variant of Uncertain Significance. Algorithms developed to predict the effect of missense changes on protein structure and function (SIFT, PolyPhen-2, Align-GVGD) all suggest that this variant is likely to be disruptive, but these predictions have not been confirmed by published functional studies and their clinical significance is uncertain. This variant has not been reported in the literature in individuals with ARHGEF18-related conditions. This variant is not present in population databases (ExAC no frequency). This sequence change replaces proline with leucine at codon 1027 of the ARHGEF18 protein (p.Pro1027Leu). The proline residue is highly conserved and there is a moderate physicochemical difference between proline and leucine.

NM_001367823.1(ARHGEF18):c.3644C>T (p.Pro1215Leu)

Gene: ARHGEF18 (Rho/Rac guanine nucleotide exchange factor 18; plus strand). Cytogenetic location: 19p13.2.
Variant type: single nucleotide variant.
Coding change: c.3644C>T on transcript NM_001367823.1 (MANE Select); coding-DNA position 3644, C replaced by T.
Protein change: p.Pro1215Leu; replaces proline 1215 with leucine.
Molecular consequence: missense variant.
Genome position (GRCh38, 1-based): chr19:7,468,988, C>T. VCF-style: chr19-7468988-C-T. GRCh37 (hg19) VCF-style: chr19-7533874-C-T.
Other names: c.2918C>T, p.Pro973Leu (NM_001130955.2); c.2606C>T, p.Pro869Leu (NM_001367824.1, NM_015318.4); short protein forms P1215L, P869L, P973L.
Identifiers: ClinVar variation 1494954 (VCV001494954.8), dbSNP rs2145919057, ClinGen allele CA403093146.